The following is an entry in ClinVar:

NM_000051.4(ATM):c.8850+9T>C

Genes: ATM (ATM serine/threonine kinase; plus strand), C11orf65 (chromosome 11 open reading frame 65; minus strand). Cytogenetic location: 11q22.3.
Variant type: single nucleotide variant.
Coding change: c.8850+9T>C on transcript NM_000051.4 (MANE Select); 9 bases into the intron after coding-DNA position 8850, T replaced by C.
Molecular consequence: intron variant.
Genome position (GRCh38, 1-based): chr11:108,354,883, T>C. VCF-style: chr11-108354883-T-C. GRCh37 (hg19) VCF-style: chr11-108225610-T-C.
Other names: c.8850+9T>C (NM_001351834.2); c.640+31037A>G (NM_001330368.2); c.695-19591A>G (NM_001351110.2).
Identifiers: ClinVar variation 3253827 (VCV003253827.2), dbSNP rs571828498.

ClinVar aggregate classification (germline): Likely benign. Review status: criteria provided, multiple submitters, no conflicts (2 of 4 stars). 3 submissions from 3 submitters: Likely benign (3). Last evaluated 2025-06-19.

Conditions:
Ataxia-telangiectasia syndrome (AT). Also called: AT, COMPLEMENTATION GROUP C; Ataxia-telangiectasia, complementation group D; ATAXIA-TELANGIECTASIA, COMPLEMENTATION GROUP A; ATAXIA-TELANGIECTASIA, FRESNO VARIANT; Ataxia-telangiectasia; Ataxia-telangiectasia, complementation group E. Identifiers: Orphanet 100, MedGen C0004135, MONDO:0008840, OMIM 208900.
Familial cancer of breast. Also called: hereditary breast carcinoma; BREAST CANCER, FAMILIAL; Hereditary breast cancer. Identifiers: Orphanet 227535, MedGen C0346153, MONDO:0016419, OMIM 114480. Disease mechanism: loss of function.

Submissions (3):

Labcorp Genetics (formerly Invitae), Labcorp
Classification: Likely benign for Ataxia-telangiectasia syndrome. Last evaluated: 2025-06-19. Review status: criteria provided, single submitter. Criteria: Invitae Variant Classification Sherloc (09022015). Collection method: clinical testing. Allele origin: germline.

Myriad Genetics, Inc.
Classification: Likely benign for Familial cancer of breast. Last evaluated: 2024-06-21. Review status: criteria provided, single submitter. Criteria: Myriad Autosomal Dominant, Autosomal Recessive and X-Linked Classification Criteria (2023). Collection method: clinical testing. Allele origin: unknown.
Comment: This variant is considered likely benign. This variant is intronic and is not expected to impact mRNA splicing.

Blueprint Genetics
Classification: Likely benign. Last evaluated: 2021-10-25. Review status: criteria provided, single submitter. Criteria: ACMG Guidelines, 2015. Collection method: clinical testing. Allele origin: germline.